The following is an entry in ClinVar:

ClinVar aggregate classification (germline): Uncertain significance (1 of 4 stars; one submission).

Conditions:
Aortic aneurysm, familial thoracic 7 (AAT7). Also called: AORTIC DISSECTION, FAMILIAL, WITH OR WITHOUT AORTIC ANEURYSM. Identifiers: MedGen C3151077, MONDO:0013418, OMIM 613780.

Submission:

Daryl Scott Lab, Baylor College of Medicine
Classification: Uncertain significance for Aortic aneurysm, familial thoracic 7. Last evaluated: 2024-04-01. Review status: criteria provided, single submitter. Criteria: ACMG Guidelines, 2015. Collection method: clinical testing. Allele origin: unknown. Observed: 1 heterozygote.
Comment: PM2, PP3

NM_053025.4(MYLK):c.4564G>T (p.Val1522Phe)

Gene: MYLK (myosin light chain kinase; minus strand). Cytogenetic location: 3q21.1.
Variant type: single nucleotide variant.
Coding change: c.4564G>T on transcript NM_053025.4 (MANE Select); coding-DNA position 4564, G replaced by T.
Protein change: p.Val1522Phe; replaces valine 1522 with phenylalanine.
Molecular consequence: missense variant.
Genome position (GRCh38, 1-based): chr3:123,647,279, C>A on the plus strand (G>T on the coding strand, the complement: MYLK is on the minus strand). VCF-style: chr3-123647279-C-A. GRCh37 (hg19) VCF-style: chr3-123366126-C-A.
Other names: c.4036G>T, p.Val1346Phe (NM_001321309.2); c.4357G>T, p.Val1453Phe (NM_053026.4, NM_053028.4); c.4564G>T, p.Val1522Phe (NM_053027.4); short protein forms V1346F, V1453F, V1522F.
Identifiers: ClinVar variation 3778779 (VCV003778779.1).